The following is an entry in ClinVar:

NM_016529.6(ATP8A2):c.1873C>T (p.Arg625Trp)

Gene: ATP8A2 (ATPase phospholipid transporting 8A2). Cytogenetic location: 13q12.13.
Variant type: single nucleotide variant.
Coding change: c.1873C>T on transcript NM_016529.6 (MANE Select); coding-DNA position 1873, C replaced by T.
Protein change: p.Arg625Trp; replaces arginine 625 with tryptophan.
Molecular consequence: missense variant.
Genome position (GRCh38, 1-based): chr13:25,579,813, C>T. VCF-style: chr13-25579813-C-T. GRCh37 (hg19) VCF-style: chr13-26153951-C-T.
Other names: c.1753C>T, p.Arg585Trp (NM_001313741.1); c.1873C>T, p.Arg625Trp (NM_001411005.1, NM_001411006.1); short protein forms R585W, R625W.
Identifiers: ClinVar variation 3775909 (VCV003775909.1).

ClinVar aggregate classification (germline): Uncertain significance (1 of 4 stars; one submission).

Conditions:
Cerebellar ataxia, impaired intellectual development, and dysequilibrium syndrome 4. Also called: CEREBELLAR ATAXIA AND MENTAL RETARDATION WITH OR WITHOUT QUADRUPEDAL LOCOMOTION 4; Cerebellar ataxia, mental retardation, and dysequilibrium syndrome 4; Cerebellar ataxia, intellectual disability, and dysequilibrium syndrome 4. Identifiers: Orphanet 1766, MedGen C3808977, MONDO:0014104, OMIM 615268.

Submission:

3billion
Classification: Uncertain significance for Cerebellar ataxia, impaired intellectual development, and dysequilibrium syndrome 4. Last evaluated: 2023-12-03. Review status: criteria provided, single submitter. Criteria: ACMG Guidelines, 2015. Collection method: clinical testing. Allele origin: germline. Affected: yes.
Comment: The variant is observed at an extremely low frequency in the gnomAD v2.1.1 dataset (total allele frequency: 0.099%). Predicted Consequence/Location: The majority of the known disease-causing variants of this gene are variants expected to result in premature termination of the protein. Premature termination of the protein is a common disease-causing mechanism for this gene. In silico tool predictions suggest damaging effect of the variant on gene or gene product [REVEL: 0.79 (>=0.6, sensitivity 0.68 and specificity 0.92); 3Cnet: 0.83 (>=0.6, sensitivity 0.72 and precision 0.9)]. Same nucleotide change resulting in same amino acid change has been previously reported to be associated with ATP8A2 related disorder (PMID: 27679995). However, the evidence of pathogenicity is insufficient at this time. A different missense change at the same codon (p.Arg625Gln) has been reported to be associated with ATP8A2 related disorder (PMID: 33098801). Therefore, this variant is classified as VUS according to the recommendation of ACMG/AMP guideline.

Literature cited by the submitters: PubMed 27679995; PubMed 33098801.